The following is an entry in ClinVar:

ClinVar aggregate classification (germline): Uncertain significance. Review status: criteria provided, multiple submitters, no conflicts (2 of 4 stars). 2 submissions from 2 submitters: Uncertain significance (2). Last evaluated 2024-04-29.

Conditions:
Hereditary cancer-predisposing syndrome. Also called: Tumor predisposition; Hereditary Cancer Syndrome; Neoplastic Syndromes, Hereditary; Hereditary neoplastic syndrome. Identifiers: Orphanet 140162, MedGen C0027672, MeSH D009386, MONDO:0015356.

Allele frequency attached by ClinVar (database versions not stated): gnomAD exomes below 0.00001; ExAC 0.00001.
gnomAD v4.1: 1 of 1,611,946 alleles (0.000062%); highest among the groups gnomAD compares: Non-Finnish European, 0.000085%; no homozygotes.

Submissions (2):

Labcorp Genetics (formerly Invitae), Labcorp
Classification: Uncertain significance for Hereditary cancer-predisposing syndrome. Last evaluated: 2024-04-29. Review status: criteria provided, single submitter. Criteria: Invitae Variant Classification Sherloc (09022015). Collection method: clinical testing. Allele origin: germline.
Comment: This sequence change replaces tyrosine, which is neutral and polar, with cysteine, which is neutral and slightly polar, at codon 957 of the RAD50 protein (p.Tyr957Cys). This variant is present in population databases (rs752752641, gnomAD 0.0009%). This variant has not been reported in the literature in individuals affected with RAD50-related conditions. ClinVar contains an entry for this variant (Variation ID: 1797049). Advanced modeling of protein sequence and biophysical properties (such as structural, functional, and spatial information, amino acid conservation, physicochemical variation, residue mobility, and thermodynamic stability) performed at Invitae indicates that this missense variant is not expected to disrupt RAD50 protein function with a negative predictive value of 80%. In summary, the available evidence is currently insufficient to determine the role of this variant in disease. Therefore, it has been classified as a Variant of Uncertain Significance.

Ambry Genetics
Classification: Uncertain significance for Hereditary cancer-predisposing syndrome. Last evaluated: 2015-12-12. Review status: criteria provided, single submitter. Criteria: Ambry Variant Classification Scheme 2023. Collection method: clinical testing. Allele origin: germline.
Comment: The p.Y957C variant (also known as c.2870A>G), located in coding exon 18 of the RAD50 gene, results from an A to G substitution at nucleotide position 2870. The tyrosine at codon 957 is replaced by cysteine, an amino acid with highly dissimilar properties. This variant was not reported in population based cohorts in the following databases: Database of Single Nucleotide Polymorphisms (dbSNP), NHLBI Exome Sequencing Project (ESP), and 1000 Genomes Project. In the ESP, this variant was not observed in 6343 samples (12686 alleles) with coverage at this position. To date, this alteration has been detected with an allele frequency of approximately 0.001% (greater than 120000 alleles tested) in our clinical cohort. This amino acid position is not well conserved in available vertebrate species. In addition, this alteration is predicted to be benign and tolerated by PolyPhen and SIFT in silico analyses, respectively. Since supporting evidence is limited at this time, the clinical significance of p.Y957C remains unclear.

NM_005732.4(RAD50):c.2870A>G (p.Tyr957Cys)

Gene: RAD50 (RAD50 double strand break repair protein; plus strand). Cytogenetic location: 5q31.1.
Variant type: single nucleotide variant.
Coding change: c.2870A>G on transcript NM_005732.4 (MANE Select); coding-DNA position 2870, A replaced by G.
Protein change: p.Tyr957Cys; replaces tyrosine 957 with cysteine.
Molecular consequence: missense variant.
Genome position (GRCh38, 1-based): chr5:132,609,157, A>G. VCF-style: chr5-132609157-A-G. GRCh37 (hg19) VCF-style: chr5-131944849-A-G.
Other names: short protein forms Y957C.
Identifiers: ClinVar variation 1797049 (VCV001797049.7), dbSNP rs752752641, ClinGen allele CA3405471.